The following is an entry in ClinVar:

ClinVar aggregate classification (germline): Pathogenic (1 of 4 stars; one submission).

Conditions:
Combined malonic and methylmalonic acidemia. Identifiers: Orphanet 289504, MedGen C3280314, MONDO:0013661, OMIM 614265.

Submission:

Labcorp Genetics (formerly Invitae), Labcorp
Classification: Pathogenic for Combined malonic and methylmalonic acidemia. Last evaluated: 2022-12-01. Review status: criteria provided, single submitter. Criteria: Invitae Variant Classification Sherloc (09022015). Collection method: clinical testing. Allele origin: germline.
Comment: For these reasons, this variant has been classified as Pathogenic. This variant has not been reported in the literature in individuals affected with ACSF3-related conditions. This variant is not present in population databases (gnomAD no frequency). This sequence change creates a premature translational stop signal (p.Tyr297Ilefs*26) in the ACSF3 gene. It is expected to result in an absent or disrupted protein product. Loss-of-function variants in ACSF3 are known to be pathogenic (PMID: 21841779, 26827111).

Literature cited by the submitters: PubMed 21841779; PubMed 26827111.

NM_001243279.3(ACSF3):c.888dup (p.Tyr297fs)

Gene: ACSF3 (acyl-CoA synthetase family member 3; plus strand). Cytogenetic location: 16q24.3.
Variant type: Duplication.
Coding change: c.888dup on transcript NM_001243279.3 (MANE Select); coding-DNA position 888, one base duplicated (A; older notation c.888dupA).
Protein change: p.Tyr297fs; shifts the reading frame from tyrosine 297.
Molecular consequence: frameshift variant. On other transcripts: non-coding transcript variant (3).
Genome position (GRCh38, 1-based): chr16:89,112,157, A duplicated. VCF-style (leftmost placement, unchanged base first): chr16-89112156-T-TA. GRCh37 (hg19) VCF-style: chr16-89178564-T-TA.
Other names: c.888dup, p.Tyr297fs (NM_001127214.4, NM_174917.5); c.93dup, p.Tyr32fs (NM_001284316.2); short protein forms Y297fs, Y32fs.
Identifiers: ClinVar variation 2894418 (VCV002894418.3), dbSNP rs2543607383, ClinGen allele CA2739265526.